The following is an entry in ClinVar:

NM_022048.5(CSNK1G1):c.*26C>T

Gene: CSNK1G1 (casein kinase 1 gamma 1; minus strand). Cytogenetic location: 15q22.31.
Variant type: single nucleotide variant.
Coding change: c.*26C>T on transcript NM_022048.5 (MANE Select); 26 bases downstream of the stop codon, C replaced by T.
Molecular consequence: 3 prime UTR variant. On other transcripts: intron variant (2).
Genome position (GRCh38, 1-based): chr15:64,171,905, G>A on the plus strand (C>T on the coding strand, the complement: CSNK1G1 is on the minus strand). VCF-style: chr15-64171905-G-A. GRCh37 (hg19) VCF-style: chr15-64464104-G-A.
Other names: c.*26C>T (NM_001329606.2); c.1215-5825C>T (NM_001329607.2); c.1326-5825C>T (NM_001329605.2).
Identifiers: ClinVar variation 3770551 (VCV003770551.13).

ClinVar aggregate classification (germline): Benign (1 of 4 stars; one submission).

gnomAD v4.1: 13,448 of 1,588,852 alleles (0.85%); highest among the groups gnomAD compares: Admixed American, 1.1%; 60 homozygotes.

Submission:

CeGaT Center for Human Genetics Tuebingen
Classification: Benign. Last evaluated: 2026-07-01. Review status: criteria provided, single submitter. Criteria: CeGaT Center For Human Genetics Tuebingen Variant Classification Criteria Version 2. Collection method: clinical testing. Allele origin: germline. Affected: yes. Observed: 11 variant alleles.
Comment: CSNK1G1: BS1, BS2